The following is an entry in ClinVar:

NM_006393.3(NEBL):c.2149-1G>A

Gene: NEBL (nebulette; minus strand). Cytogenetic location: 10p12.31.
Variant type: single nucleotide variant.
Coding change: c.2149-1G>A on transcript NM_006393.3 (MANE Select); the canonical splice acceptor site of the intron before coding-DNA position 2149, G replaced by A.
Molecular consequence: splice acceptor variant. On other transcripts: intron variant (9).
Genome position (GRCh38, 1-based): chr10:20,815,718, C>T on the plus strand (G>A on the coding strand, the complement: NEBL is on the minus strand). VCF-style: chr10-20815718-C-T. GRCh37 (hg19) VCF-style: chr10-21104647-C-T.
Other names: c.250-2778G>A (NM_001377326.1, NM_001377327.1, NM_001377328.1); c.358-2778G>A (NM_213569.2, NM_001173484.2, NM_001377322.1); c.301-2778G>A (NM_001377324.1); c.292-2778G>A (NM_001377325.1); c.310-2778G>A (NM_001377323.1).
Identifiers: ClinVar variation 4751342 (VCV004751342.1).

ClinVar aggregate classification (germline): Uncertain significance (1 of 4 stars; one submission).

Conditions:
Primary dilated cardiomyopathy (DCM). Also called: Dilated Cardiomyopathy. Identifiers: Orphanet 217604, MedGen C0007193, MeSH D002311, MONDO:0005021, HP:0001644. Inheritance: Various modes of inheritance.

Submission:

Labcorp Genetics (formerly Invitae), Labcorp
Classification: Uncertain significance for Primary dilated cardiomyopathy. Last evaluated: 2026-01-06. Review status: criteria provided, single submitter. Criteria: Invitae Variant Classification Sherloc (09022015). Collection method: clinical testing. Allele origin: germline.
Comment: This sequence change affects an acceptor splice site in intron 21 of the NEBL gene. It is expected to disrupt RNA splicing. Variants that disrupt the donor or acceptor splice site typically lead to a loss of protein function (PMID: 16199547), however the current clinical and genetic evidence is not sufficient to establish whether loss-of-function variants in NEBL cause disease. This variant is present in population databases (rs763363925, gnomAD 0.0009%). This variant has not been reported in the literature in individuals affected with NEBL-related conditions. Algorithms developed to predict the effect of sequence changes on RNA splicing suggest that this variant may disrupt the consensus splice site. In summary, the available evidence is currently insufficient to determine the role of this variant in disease. Therefore, it has been classified as a Variant of Uncertain Significance.

Literature cited by the submitters: PubMed 16199547.